The following is an entry in ClinVar:

ClinVar aggregate classification (germline): Pathogenic (1 of 4 stars; one submission).

Conditions:
Autosomal dominant optic atrophy classic form (OPA1). Also called: KJER-TYPE OPTIC ATROPHY; Optic Atrophy Type 1; OPTIC ATROPHY, JUVENILE. Identifiers: Orphanet 98673, MedGen C0338508, MONDO:0008134, OMIM 165500.

Submission:

MGZ Medical Genetics Center
Classification: Pathogenic for Autosomal dominant optic atrophy classic form. Last evaluated: 2021-10-07. Review status: criteria provided, single submitter. Criteria: ACMG Guidelines, 2015. Collection method: clinical testing. Allele origin: germline. Affected: yes. Observed: 1 variant allele.
Comment: ACMG criteria applied: PVS1, PM2_SUP, PP4

NM_130837.3(OPA1):c.70dup (p.Ile24fs)

Gene: OPA1 (OPA1 mitochondrial dynamin like GTPase; plus strand). Cytogenetic location: 3q29.
Variant type: Duplication.
Coding change: c.70dup on transcript NM_130837.3 (MANE Select); coding-DNA position 70, one base duplicated (A; older notation c.70dupA).
Protein change: p.Ile24fs; shifts the reading frame from isoleucine 24.
Molecular consequence: frameshift variant. On other transcripts: 5 prime UTR variant (2).
Genome position (GRCh38, 1-based): chr3:193,614,760, A duplicated; the last of 2 consecutive A bases (chr3:193,614,759-193,614,760); duplicating either gives the same sequence. VCF-style (leftmost placement, unchanged base first): chr3-193614758-G-GA. GRCh37 (hg19) VCF-style: chr3-193332547-G-GA.
Other names: c.-303dup (NM_001354663.2, NM_001354664.2); c.70dup, p.Ile24fs (NM_015560.3, NM_130831.3, NM_130832.3 and 4 more transcripts); short protein forms I24fs.
Identifiers: ClinVar variation 1709891 (VCV001709891.2), dbSNP rs2474574768, ClinGen allele CA2580070539.